The following is an entry in ClinVar:

NM_001034116.2(EIF2B4):c.1221A>G (p.Ala407=)

Genes: GTF3C2-AS2 (GTF3C2 antisense RNA 2; plus strand), EIF2B4 (eukaryotic translation initiation factor 2B subunit delta; minus strand). Cytogenetic location: 2p23.3.
Variant type: single nucleotide variant.
Coding change: c.1221A>G on transcript NM_001034116.2 (MANE Select); coding-DNA position 1221, A replaced by G.
Protein change: p.Ala407=; no amino-acid change (alanine 407 retained).
Molecular consequence: synonymous variant.
Genome position (GRCh38, 1-based): chr2:27,364,869, T>C on the plus strand (A>G on the coding strand, the complement: EIF2B4 is on the minus strand). VCF-style: chr2-27364869-T-C. GRCh37 (hg19) VCF-style: chr2-27587736-T-C.
Other names: c.1284A>G, p.Ala428= (NM_001318965.2); c.1176A>G, p.Ala392= (NM_001318966.2); c.1128A>G, p.Ala376= (NM_001318967.2); c.636A>G, p.Ala212= (NM_001318968.2); c.603A>G, p.Ala201= (NM_001318969.2); c.1218A>G, p.Ala406= (NM_015636.4); c.1281A>G, p.Ala427= (NM_172195.4).
Identifiers: ClinVar variation 2962787 (VCV002962787.17), dbSNP rs1454377141, ClinGen allele CA425410391.

ClinVar aggregate classification (germline): Likely benign. Review status: criteria provided, multiple submitters, no conflicts (2 of 4 stars). 2 submissions from 2 submitters: Likely benign (2). Last evaluated 2024-09-01.

Allele frequency attached by ClinVar (database versions not stated): gnomAD exomes below 0.00001.
gnomAD v4.1: 2 of 1,613,694 alleles (0.00012%); highest among the groups gnomAD compares: Middle Eastern, 0.016%; no homozygotes.

Submissions (2):

CeGaT Center for Human Genetics Tuebingen
Classification: Likely benign. Last evaluated: 2024-09-01. Review status: criteria provided, single submitter. Criteria: CeGaT Center For Human Genetics Tuebingen Variant Classification Criteria Version 2. Collection method: clinical testing. Allele origin: germline. Affected: yes. Observed: 1 variant allele.
Comment: EIF2B4: BP4, BP7

Labcorp Genetics (formerly Invitae), Labcorp
Classification: Likely benign. Last evaluated: 2023-09-10. Review status: criteria provided, single submitter. Criteria: Invitae Variant Classification Sherloc (09022015). Collection method: clinical testing. Allele origin: germline.